The following is an entry in ClinVar:

ClinVar aggregate classification (germline): Uncertain significance (1 of 4 stars; one submission).

Allele frequency attached by ClinVar (database versions not stated): gnomAD exomes 0.00001 and 0.00002; TOPMed 0.00001; ExAC 0.00002.
gnomAD v4.1: 20 of 1,614,080 alleles (0.0012%); highest among the groups gnomAD compares: East Asian, 0.0067%; no homozygotes.

Submission:

Labcorp Genetics (formerly Invitae), Labcorp
Classification: Uncertain significance. Last evaluated: 2026-01-21. Review status: criteria provided, single submitter. Criteria: Invitae Variant Classification Sherloc (09022015). Collection method: clinical testing. Allele origin: germline.
Comment: This sequence change replaces threonine, which is neutral and polar, with methionine, which is neutral and non-polar, at codon 622 of the CACNA1D protein (p.Thr622Met). This variant is present in population databases (rs765798948, gnomAD 0.004%). This variant has not been reported in the literature in individuals affected with CACNA1D-related conditions. ClinVar contains an entry for this variant (Variation ID: 1492484). Invitae Evidence Modeling of protein sequence and biophysical properties (such as structural, functional, and spatial information, amino acid conservation, physicochemical variation, residue mobility, and thermodynamic stability) indicates that this missense variant is not expected to disrupt CACNA1D protein function with a negative predictive value of 80%. In summary, the available evidence is currently insufficient to determine the role of this variant in disease. Therefore, it has been classified as a Variant of Uncertain Significance.

NM_001128840.3(CACNA1D):c.1805C>T (p.Thr602Met)

Gene: CACNA1D (calcium voltage-gated channel subunit alpha1 D; plus strand). Cytogenetic location: 3p21.1.
Variant type: single nucleotide variant.
Coding change: c.1805C>T on transcript NM_001128840.3 (MANE Select); coding-DNA position 1805, C replaced by T.
Protein change: p.Thr602Met; replaces threonine 602 with methionine.
Molecular consequence: missense variant.
Genome position (GRCh38, 1-based): chr3:53,723,572, C>T. VCF-style: chr3-53723572-C-T. GRCh37 (hg19) VCF-style: chr3-53757599-C-T.
Other names: c.1865C>T, p.Thr622Met (NM_000720.4); c.1805C>T, p.Thr602Met (NM_001128839.3); short protein forms T622M, T602M.
Identifiers: ClinVar variation 1492484 (VCV001492484.6), dbSNP rs765798948, ClinGen allele CA2454073.